The following is an entry in ClinVar:

NM_016734.3(PAX5):c.106G>A (p.Val36Ile)

Gene: PAX5 (paired box 5; minus strand). Cytogenetic location: 9p13.2.
Variant type: single nucleotide variant.
Coding change: c.106G>A on transcript NM_016734.3 (MANE Select); coding-DNA position 106, G replaced by A.
Protein change: p.Val36Ile; replaces valine 36 with isoleucine.
Molecular consequence: missense variant. On other transcripts: non-coding transcript variant (2), intron variant (2).
Genome position (GRCh38, 1-based): chr9:37,020,742, C>T on the plus strand (G>A on the coding strand, the complement: PAX5 is on the minus strand). VCF-style: chr9-37020742-C-T. GRCh37 (hg19) VCF-style: chr9-37020739-C-T.
Other names: c.106G>A, p.Val36Ile (NM_001280547.2, NM_001280548.2, NM_001280549.2 and 5 more transcripts); c.-112-5548G>A (NM_001280551.2, NM_001280556.2); short protein forms V36I.
Identifiers: ClinVar variation 3885890 (VCV003885890.1).
Genomic context (GRCh38, chr9:37,020,742, plus strand): 5'-TGGAGATGTCGCAGGGCCTGACACCTTGATGAGCAAGTTCCACTATCCTCTGGCGGACTA[C>T]ATCCGGGAGTGGCCGTCCATTCACAAAAACCCCCCCAAGCTGATTCACTCCTCCATGTCC-3'
Protein context (NP_057953.1, residues 26-46): VFVNGRPLPD[Val36Ile]VRQRIVELAH

ClinVar aggregate classification (germline): Uncertain significance (1 of 4 stars; one submission).

Conditions:
Inborn genetic diseases. Identifiers: MedGen C0950123, MeSH D030342.

gnomAD v4.1: 9 of 1,614,166 alleles (0.00056%); highest among the groups gnomAD compares: South Asian, 0.0099%; no homozygotes.

Submission:

Ambry Genetics
Classification: Uncertain significance for Inborn genetic diseases. Last evaluated: 2024-12-16. Review status: criteria provided, single submitter. Criteria: Ambry Variant Classification Scheme 2023. Collection method: clinical testing. Allele origin: germline.
Comment: The p.V36I variant (also known as c.106G>A), located in coding exon 2 of the PAX5 gene, results from a G to A substitution at nucleotide position 106. The valine at codon 36 is replaced by isoleucine, an amino acid with highly similar properties. This amino acid position is conserved. In addition, the in silico prediction for this alteration is inconclusive. Based on the available evidence, the clinical significance of this variant remains unclear.